The following is an entry in ClinVar:

NM_000350.3(ABCA4):c.5114G>A (p.Arg1705Gln)

Gene: ABCA4 (ATP binding cassette subfamily A member 4; minus strand). Cytogenetic location: 1p22.1.
Variant type: single nucleotide variant.
Coding change: c.5114G>A on transcript NM_000350.3 (MANE Select); coding-DNA position 5114, G replaced by A.
Protein change: p.Arg1705Gln; replaces arginine 1705 with glutamine.
Molecular consequence: missense variant.
Genome position (GRCh38, 1-based): chr1:94,019,664, C>T on the plus strand (G>A on the coding strand, the complement: ABCA4 is on the minus strand). VCF-style: chr1-94019664-C-T. GRCh37 (hg19) VCF-style: chr1-94485220-C-T.
Other names: c.4892G>A, p.Arg1631Gln (NM_001425324.1); short protein forms R1705Q, R1631Q.
Identifiers: ClinVar variation 1071730 (VCV001071730.16), dbSNP rs61753021, ClinGen allele CA957375.

ClinVar aggregate classification (germline): Conflicting classifications of pathogenicity. Review status: criteria provided, conflicting classifications (1 of 4 stars). 7 submissions from 7 submitters: Pathogenic (1); Likely pathogenic (3); Uncertain significance (2). 1 of the submissions does not count toward it. Last evaluated 2026-03-23.

Conditions:
ABCA4-related disorder. Also called: ABCA4-related condition; ABCA4-related disorders. Identifiers: MedGen CN239167.
Severe early-childhood-onset retinal dystrophy (STGD1). Also called: Stargardt macular dystrophy; Juvenile onset macular degeneration; Stargardt disease 1; MACULAR DYSTROPHY WITH FLECKS, TYPE 1; STGD. Identifiers: Orphanet 364055, Orphanet 827, MedGen C1855465, MeSH D000080362, MONDO:0009549, OMIM 248200.
Cone-rod dystrophy 3 (CORD3). Identifiers: Orphanet 1872, MedGen C1858806, MONDO:0011395, OMIM 604116.
Retinitis pigmentosa 19 (RP19). Also called: ABCA4-Related Retinitis Pigmentosa. Identifiers: Orphanet 791, MedGen C1866422, MONDO:0011137, OMIM 601718.

Allele frequency attached by ClinVar (database versions not stated): TOPMed 0.00008; gnomAD 0.00004 and 0.00003; ExAC 0.00008; ESP Exome Variant Server 0.00008.
gnomAD v4.1: 45 of 1,613,254 alleles (0.0028%); highest among the groups gnomAD compares: Admixed American, 0.042%; no homozygotes.

Submissions (7):

PreventionGenetics, part of Exact Sciences
Classification: Likely pathogenic for ABCA4-related condition. Last evaluated: 2026-03-23. Review status: criteria provided, single submitter. Criteria: ACMG Guidelines, 2015. Collection method: clinical testing. Allele origin: germline.
Comment: The ABCA4 c.5114G>A variant is predicted to result in the amino acid substitution p.Arg1705Gln. This variant has been reported in individuals with ABCA4-related disease along with a second variant in ABCA4 (table S1, Lin et al. 2024. PubMed ID: 38219857; supplementary table 1, Fujinami et al. 2019. PubMed ID: 29925512; Aleman et al. 2007. PubMed ID: 17325179; compound heterozygous in supplementary table 1, Cideciyan et al. 2009. PubMed ID: 19074458; compound heterozygous in Chacon-Camacho et al. 2013. PubMed ID: 23419329). Other variants affecting the same amino acid position have also been reported along with a second causative variant in individuals with ABCA4-related disease (for example, c. 5113C>T, p.Arg1705Trp: Table S10, Khan et al. 2020. PubMed ID: 32307445; table S1, Lin et al. 2024. PubMed ID: 38219857; Table S2, Weisschuh et al. 2020. PubMed ID: 32531858; Table S3, Gao et al. 2019. PubMed ID: 31054281; and c.5114G>T, p.Arg1705Leu: supplementary table 1, Fujinami et al. 2019. PubMed ID: 29925512; Rivera et al. 2000. PubMed ID: 10958763). This variant is reported in 0.060% of alleles in individuals of Latino descent in gnomAD. This variant is interpreted as likely pathogenic.

Labcorp Genetics (formerly Invitae), Labcorp
Classification: Pathogenic. Last evaluated: 2026-01-22. Review status: criteria provided, single submitter. Criteria: Invitae Variant Classification Sherloc (09022015). Collection method: clinical testing. Allele origin: germline.
Comment: This sequence change replaces arginine, which is basic and polar, with glutamine, which is neutral and polar, at codon 1705 of the ABCA4 protein (p.Arg1705Gln). This variant is present in population databases (rs61753021, gnomAD 0.06%). This missense change has been observed in individuals with Stargardt disease (PMID: 17325179, 23419329, 23769331). ClinVar contains an entry for this variant (Variation ID: 1071730). Invitae Evidence Modeling of protein sequence and biophysical properties (such as structural, functional, and spatial information, amino acid conservation, physicochemical variation, residue mobility, and thermodynamic stability) indicates that this missense variant is expected to disrupt ABCA4 protein function with a positive predictive value of 80%. This variant disrupts the p.Arg1705 amino acid residue in ABCA4. Other variant(s) that disrupt this residue have been observed in individuals with ABCA4-related conditions (PMID: 25444351, 29925512), which suggests that this may be a clinically significant amino acid residue. For these reasons, this variant has been classified as Pathogenic.

GeneDx
Classification: Uncertain significance. Last evaluated: 2025-03-31. Review status: criteria provided, single submitter. Criteria: GeneDx Variant Classification Process June 2021. Collection method: clinical testing. Allele origin: germline. Affected: yes.
Comment: Identified in the homozygous state in a patient with an ABCA4-related retinal dystrophy in published literature, however, this individual was also homozygous for another ABCA4 variant (PMID: 23769331); In silico analysis supports that this missense variant has a deleterious effect on protein structure/function; This variant is associated with the following publications: (PMID: 28118664, 10958763, 17325179, 17724221, 19074458, 23953153, 23419329, 24550365, 29925512, 39162841, 38219857, 31964843, 35120629, 23769331)

3billion
Classification: Likely pathogenic for ABCA4-related disorder. Last evaluated: 2025-02-11. Review status: criteria provided, single submitter. Criteria: ACMG Guidelines, 2015. Collection method: clinical testing. Allele origin: germline. Affected: yes.
Comment: The variant is observed at an extremely low frequency in the gnomAD v4.1.0 dataset (total allele frequency: 0.003%). Predicted Consequence/Location: Missense variant In silico tool predictions suggest damaging effect of the variant on gene or gene product [REVEL: 0.91 (>=0.6, sensitivity 0.68 and specificity 0.92); 3Cnet: 0.69 (>=0.6, sensitivity 0.72 and precision 0.9)]. The same nucleotide change resulting in the same amino acid change has been previously reported to be associated with ABCA4-related disorder (ClinVar ID: VCV001071730 /PMID: 17325179). Different missense changes at the same codon (p.Arg1705Gly, p.Arg1705Leu, p.Arg1705Trp) have been reported as pathogenic/likely pathogenic with strong evidence (ClinVar ID: VCV000099346, VCV000632119, VCV001713269 /PMID: 10958763, 20029649). Therefore, this variant is classified as Likely pathogenic according to the recommendation of ACMG/AMP guideline.

Department of Pathology and Laboratory Medicine, Sinai Health System
Classification: Uncertain significance for Cone-rod dystrophy 3; Retinitis pigmentosa 19. Last evaluated: 2022-12-01. Review status: criteria provided, single submitter. Criteria: ACMG Guidelines, 2015. Collection method: research. Allele origin: germline.

Blueprint Genetics
Classification: Likely pathogenic for ABCA4-related disorders. Last evaluated: 2022-09-28. Review status: criteria provided, single submitter. Criteria: ACMG Guidelines, 2015. Collection method: clinical testing. Allele origin: germline. Affected: yes. Observed: 5 variant alleles.

Ophthalmo-Genetics Lab, Instituto de Oftalmologia Conde de Valenciana
Classification: Pathogenic for Severe early-childhood-onset retinal dystrophy. Review status: no assertion criteria provided. Collection method: research. Allele origin: germline. Inheritance: Autosomal recessive inheritance. Affected: yes. Not counted in ClinVar's aggregate classification.

Literature cited by the submitters: PubMed 17325179 (cited by Labcorp Genetics (formerly Invitae), Labcorp and 3billion); PubMed 23419329 (cited by Labcorp Genetics (formerly Invitae), Labcorp); PubMed 23769331 (cited by Labcorp Genetics (formerly Invitae), Labcorp and Ophthalmo-Genetics Lab, Instituto de Oftalmologia Conde de Valenciana); PubMed 25444351 (cited by Labcorp Genetics (formerly Invitae), Labcorp); PubMed 29925512 (cited by Labcorp Genetics (formerly Invitae), Labcorp); PubMed 10958763 (cited by 3billion).